The following is an entry in ClinVar:

ClinVar aggregate classification (germline): Uncertain significance (1 of 4 stars; one submission).

Allele frequency attached by ClinVar (database versions not stated): gnomAD exomes below 0.00001.
gnomAD v4.1: 2 of 1,612,938 alleles (0.00012%); highest among the groups gnomAD compares: Non-Finnish European, 0.00017%; no homozygotes.

Submission:

Labcorp Genetics (formerly Invitae), Labcorp
Classification: Uncertain significance. Last evaluated: 2022-01-03. Review status: criteria provided, single submitter. Criteria: Invitae Variant Classification Sherloc (09022015). Collection method: clinical testing. Allele origin: germline.
Comment: In summary, the available evidence is currently insufficient to determine the role of this variant in disease. Therefore, it has been classified as a Variant of Uncertain Significance. Algorithms developed to predict the effect of missense changes on protein structure and function output the following: SIFT: "Tolerated"; PolyPhen-2: "Benign"; Align-GVGD: "Class C0". The threonine amino acid residue is found in multiple mammalian species, which suggests that this missense change does not adversely affect protein function. This variant has not been reported in the literature in individuals affected with LRRC8A-related conditions. This variant is not present in population databases (gnomAD no frequency). This sequence change replaces alanine, which is neutral and non-polar, with threonine, which is neutral and polar, at codon 735 of the LRRC8A protein (p.Ala735Thr).

NM_019594.4(LRRC8A):c.2203G>A (p.Ala735Thr)

Gene: LRRC8A (leucine rich repeat containing 8 VRAC subunit A; plus strand). Cytogenetic location: 9q34.11.
Variant type: single nucleotide variant.
Coding change: c.2203G>A on transcript NM_019594.4 (MANE Select); coding-DNA position 2203, G replaced by A.
Protein change: p.Ala735Thr; replaces alanine 735 with threonine.
Molecular consequence: missense variant.
Genome position (GRCh38, 1-based): chr9:128,916,141, G>A. VCF-style: chr9-128916141-G-A. GRCh37 (hg19) VCF-style: chr9-131678420-G-A.
Other names: c.2203G>A, p.Ala735Thr (NM_001127244.2, NM_001127245.2); short protein forms A735T.
Identifiers: ClinVar variation 2071391 (VCV002071391.4), dbSNP rs2491951235, ClinGen allele CA375091661.